The following is an entry in ClinVar:

NM_022114.4(PRDM16):c.413C>T (p.Ser138Leu)

Gene: PRDM16 (PR/SET domain 16; plus strand). Cytogenetic location: 1p36.32.
Variant type: single nucleotide variant.
Coding change: c.413C>T on transcript NM_022114.4 (MANE Select); coding-DNA position 413, C replaced by T.
Protein change: p.Ser138Leu; replaces serine 138 with leucine.
Molecular consequence: missense variant.
Genome position (GRCh38, 1-based): chr1:3,244,112, C>T. VCF-style: chr1-3244112-C-T. GRCh37 (hg19) VCF-style: chr1-3160676-C-T.
Other names: c.413C>T, p.Ser138Leu (NM_199454.3); short protein forms S138L.
Identifiers: ClinVar variation 505232 (VCV000505232.13), dbSNP rs552668116, ClinGen allele CA543785.

ClinVar aggregate classification (germline): Uncertain significance. Review status: criteria provided, multiple submitters, no conflicts (2 of 4 stars). 3 submissions from 3 submitters: Uncertain significance (3). Last evaluated 2025-08-29.

Conditions:
Left ventricular noncompaction 8 (LVNC8). Identifiers: Orphanet 154, Orphanet 54260, MedGen C3809288, MONDO:0014152, OMIM 615373.

Allele frequency attached by ClinVar (database versions not stated): ExAC 0.00002; gnomAD 0.00003; gnomAD exomes 0.00003 and 0.00005; TOPMed 0.00006.
gnomAD v4.1: 85 of 1,613,854 alleles (0.0053%); highest among the groups gnomAD compares: South Asian, 0.0066%; no homozygotes.

Submissions (3):

Labcorp Genetics (formerly Invitae), Labcorp
Classification: Uncertain significance for Left ventricular noncompaction 8. Last evaluated: 2025-08-29. Review status: criteria provided, single submitter. Criteria: Invitae Variant Classification Sherloc (09022015). Collection method: clinical testing. Allele origin: germline.
Comment: This sequence change replaces serine, which is neutral and polar, with leucine, which is neutral and non-polar, at codon 138 of the PRDM16 protein (p.Ser138Leu). This variant is present in population databases (rs552668116, gnomAD 0.005%). This variant has not been reported in the literature in individuals affected with PRDM16-related conditions. ClinVar contains an entry for this variant (Variation ID: 505232). An algorithm developed to predict the effect of missense changes on protein structure and function (PolyPhen-2) suggests that this variant is likely to be tolerated. In summary, the available evidence is currently insufficient to determine the role of this variant in disease. Therefore, it has been classified as a Variant of Uncertain Significance.

GeneDx
Classification: Uncertain significance. Last evaluated: 2019-12-09. Review status: criteria provided, single submitter. Criteria: GeneDx Variant Classification Process June 2021. Collection method: clinical testing. Allele origin: germline. Affected: yes.
Comment: Has not been previously published as pathogenic or benign to our knowledge; Reported in ClinVar as a variant of uncertain significance by another clinical laboratory (ClinVar Variant ID#505232; Landrum et al., 2016); In silico analysis supports that this missense variant does not alter protein structure/function

Laboratory for Molecular Medicine, Mass General Brigham Personalized Medicine
Classification: Uncertain significance. Last evaluated: 2016-08-19. Review status: criteria provided, single submitter. Criteria: LMM Criteria. Collection method: clinical testing. Allele origin: germline. Observed: 1 variant allele.
Comment: The p.Ser138Leu variant in PRDM16 has not been previously reported in individual s with cardiomyopathy, but has been identified in 1/9766 African chromosomes by the Exome Aggregation Consortium (ExAC; dbSNP rs 552668116). Computational prediction tools and conservation analysis do not prov ide strong support for or against an impact to the protein. In summary, the clin ical significance of the p.Ser138Leu variant is uncertain.